The following is an entry in ClinVar:

ClinVar aggregate classification (germline): Uncertain significance. Review status: criteria provided, multiple submitters, no conflicts (2 of 4 stars). 2 submissions from 2 submitters: Uncertain significance (2). Last evaluated 2025-06-10.

Conditions:
Aortic aneurysm, familial thoracic 7 (AAT7). Also called: AORTIC DISSECTION, FAMILIAL, WITH OR WITHOUT AORTIC ANEURYSM. Identifiers: MedGen C3151077, MONDO:0013418, OMIM 613780.
Familial thoracic aortic aneurysm and aortic dissection (TAAD). Also called: Thoracic aortic aneurysms and dissections. Identifiers: Orphanet 91387, MedGen C4707243, MONDO:0019625.

gnomAD v4.1: 3 of 1,613,724 alleles (0.00019%); highest among the groups gnomAD compares: Non-Finnish European, 0.00025%; no homozygotes.

Submissions (2):

Ambry Genetics
Classification: Uncertain significance for Familial thoracic aortic aneurysm and aortic dissection. Last evaluated: 2025-06-10. Review status: criteria provided, single submitter. Criteria: Ambry Variant Classification Scheme 2023. Collection method: clinical testing. Allele origin: germline.
Comment: The p.T962I variant (also known as c.2885C>T), located in coding exon 15 of the MYLK gene, results from a C to T substitution at nucleotide position 2885. The threonine at codon 962 is replaced by isoleucine, an amino acid with similar properties. This amino acid position is conserved. In addition, this alteration is predicted to be tolerated by in silico analysis. Based on the available evidence, the clinical significance of this variant remains unclear.

Labcorp Genetics (formerly Invitae), Labcorp
Classification: Uncertain significance for Aortic aneurysm, familial thoracic 7. Last evaluated: 2024-12-23. Review status: criteria provided, single submitter. Criteria: Invitae Variant Classification Sherloc (09022015). Collection method: clinical testing. Allele origin: germline.
Comment: This sequence change replaces threonine, which is neutral and polar, with isoleucine, which is neutral and non-polar, at codon 962 of the MYLK protein (p.Thr962Ile). This variant is not present in population databases (gnomAD no frequency). This variant has not been reported in the literature in individuals affected with MYLK-related conditions. ClinVar contains an entry for this variant (Variation ID: 1488131). Invitae Evidence Modeling of protein sequence and biophysical properties (such as structural, functional, and spatial information, amino acid conservation, physicochemical variation, residue mobility, and thermodynamic stability) indicates that this missense variant is not expected to disrupt MYLK protein function with a negative predictive value of 80%. In summary, the available evidence is currently insufficient to determine the role of this variant in disease. Therefore, it has been classified as a Variant of Uncertain Significance.

NM_053025.4(MYLK):c.2885C>T (p.Thr962Ile)

Gene: MYLK (myosin light chain kinase; minus strand). Cytogenetic location: 3q21.1.
Variant type: single nucleotide variant.
Coding change: c.2885C>T on transcript NM_053025.4 (MANE Select); coding-DNA position 2885, C replaced by T.
Protein change: p.Thr962Ile; replaces threonine 962 with isoleucine.
Molecular consequence: missense variant.
Genome position (GRCh38, 1-based): chr3:123,700,583, G>A on the plus strand (C>T on the coding strand, the complement: MYLK is on the minus strand). VCF-style: chr3-123700583-G-A. GRCh37 (hg19) VCF-style: chr3-123419430-G-A.
Other names: c.2885C>T (NM_053025.3); c.2357C>T, p.Thr786Ile (NM_001321309.2); c.2678C>T, p.Thr893Ile (NM_053026.4, NM_053028.4); c.2885C>T, p.Thr962Ile (NM_053027.4); short protein forms T962I, T893I, T786I.
Identifiers: ClinVar variation 1488131 (VCV001488131.9), dbSNP rs201266960, ClinGen allele CA354230864.